The following is an entry in ClinVar:

NM_145059.3(FCSK):c.1418T>A (p.Leu473Gln)

Gene: FCSK (fucose kinase; plus strand). Cytogenetic location: 16q22.1.
Variant type: single nucleotide variant.
Coding change: c.1418T>A on transcript NM_145059.3 (MANE Select); coding-DNA position 1418, T replaced by A.
Protein change: p.Leu473Gln; replaces leucine 473 with glutamine.
Molecular consequence: missense variant.
Genome position (GRCh38, 1-based): chr16:70,472,994, T>A. VCF-style: chr16-70472994-T-A. GRCh37 (hg19) VCF-style: chr16-70506897-T-A.
Other names: short protein forms L473Q.
Identifiers: ClinVar variation 4694138 (VCV004694138.1).

ClinVar aggregate classification (germline): Uncertain significance (1 of 4 stars; one submission).

gnomAD v4.1: 23 of 1,602,372 alleles (0.0014%); highest among the groups gnomAD compares: Non-Finnish European, 0.0019%; no homozygotes.

Submission:

Labcorp Genetics (formerly Invitae), Labcorp
Classification: Uncertain significance. Last evaluated: 2025-12-08. Review status: criteria provided, single submitter. Criteria: Invitae Variant Classification Sherloc (09022015). Collection method: clinical testing. Allele origin: germline.
Comment: This sequence change replaces leucine, which is neutral and non-polar, with glutamine, which is neutral and polar, at codon 473 of the FUK protein (p.Leu473Gln). The frequency data for this variant in the population databases is considered unreliable, as metrics indicate poor data quality at this position in the gnomAD database. This variant has not been reported in the literature in individuals affected with FUK-related conditions. An algorithm developed to predict the effect of missense changes on protein structure and function (PolyPhen-2) suggests that this variant is likely to be disruptive. In summary, the available evidence is currently insufficient to determine the role of this variant in disease. Therefore, it has been classified as a Variant of Uncertain Significance.